The following is an entry in ClinVar:

ClinVar aggregate classification (germline): Likely pathogenic. Review status: criteria provided, multiple submitters, no conflicts (2 of 4 stars). 4 submissions from 4 submitters: Likely pathogenic (2). 2 of the submissions do not count toward it. Last evaluated 2026-07-06.

Conditions:
Fetal anomalies with a likely genetic cause.
X-linked chondrodysplasia punctata 1 (CDPX1). Also called: CHONDRODYSPLASIA PUNCTATA, BRACHYTELEPHALANGIC; Chondrodysplasia punctata, X-linked recessive. Identifiers: Orphanet 79345, MedGen C3669395, MONDO:0010555, OMIM 302950.

Allele frequency attached by ClinVar (database versions not stated): gnomAD exomes 0.00001 and below 0.00001; ExAC 0.00001.
gnomAD v4.1: 5 of 1,199,562 alleles (0.00042%); highest among the groups gnomAD compares: South Asian, 0.0089%; no homozygotes.

Submissions (4):

Genetics Laboratory, Great Ormond Street Hospital NHS Foundation Trust, North Thames Genomic Laboratory Hub
Classification: Likely pathogenic for Fetal anomalies with a likely genetic cause. Last evaluated: 2026-07-06. Review status: criteria provided, single submitter. Criteria: ACGS Best Practice Guidelines for Variant Classification in Rare Disease 2024 v1.2. Collection method: clinical testing. Allele origin: germline. Affected: yes.
Comment: PS4_moderate, PP3_supporting, PS3_supporting, PP4_moderate

Division of Genetic & Genomic Pathology, Hong Kong Children's Hospital
Classification: Likely pathogenic for X-linked chondrodysplasia punctata 1. Last evaluated: 2025-07-02. Review status: criteria provided, single submitter. Criteria: ACMG Guidelines, 2015. Collection method: clinical testing. Allele origin: germline. Affected: yes.
Comment: ARSL c.1732C>T (p.Pro578Ser) is a missense variant in exon 11 of 11 in the ARSL gene. The variant is rare in population control databases (present in 5 of 1,199,562 alleles in gnomAD v4.1.0, including XX and XY individuals). It is predicted to have a deleterious effect on protein function both by in silico tools (REVEL score 0.785), and by in vitro transfection assay (PMID: 12567415). ARSL c.1732C>T (p.Pro578Ser) has been reported in two patients with X-linked recessive chondrodysplasia punctata-1 (CDPX1, MIM #302950; PMIDs: 12567415, 18348268). For these reasons, ARSL c.1732C>T (p.Pro578Ser) is categorized as likely pathogenic.

OMIM
Classification: Pathogenic for CHONDRODYSPLASIA PUNCTATA 1, X-LINKED RECESSIVE. Last evaluated: 2003-03-01. Review status: no assertion criteria provided. Collection method: literature only. Allele origin: germline. Not counted in ClinVar's aggregate classification.

GeneReviews
No classification provided. Condition: X-linked chondrodysplasia punctata 1. Review status: no classification provided. Collection method: literature only. Allele origin: unknown. Not counted in ClinVar's aggregate classification.

Literature cited by the submitters: PubMed 12567415 (cited by 3 submitters); PubMed 18348268 (cited by Division of Genetic & Genomic Pathology, Hong Kong Children's Hospital); PubMed 20301713 (cited by GeneReviews); NCBI Bookshelf NBK1544 (cited by GeneReviews).

NM_000047.3(ARSL):c.1732C>T (p.Pro578Ser)

Gene: ARSL (arylsulfatase L; minus strand). Cytogenetic location: Xp22.33.
Variant type: single nucleotide variant.
Coding change: c.1732C>T on transcript NM_000047.3 (MANE Select); coding-DNA position 1732, C replaced by T.
Protein change: p.Pro578Ser; replaces proline 578 with serine.
Molecular consequence: missense variant.
Genome position (GRCh38, 1-based): chrX:2,934,870, G>A on the plus strand (C>T on the coding strand, the complement: ARSL is on the minus strand). VCF-style: chrX-2934870-G-A. GRCh37 (hg19) VCF-style: chrX-2852911-G-A.
Other names: c.1807C>T, p.Pro603Ser (NM_001282628.2, NM_001369080.1); c.1570C>T, p.Pro524Ser (NM_001282631.2); c.1759C>T, p.Pro587Ser (NM_001369079.1); short protein forms P578S, P524S, P603S, P587S.
Identifiers: ClinVar variation 11528 (VCV000011528.6), dbSNP rs28935474, ClinGen allele CA341096.